The following is an entry in ClinVar:

ClinVar aggregate classification (germline): Uncertain significance (1 of 4 stars; one submission).

Conditions:
Duchenne muscular dystrophy (DMD). Also called: MUSCULAR DYSTROPHY, PSEUDOHYPERTROPHIC PROGRESSIVE, DUCHENNE TYPE; Duchenne Muscular Dystrophy (DMD). Identifiers: Orphanet 98896, MedGen C0013264, MONDO:0010679, OMIM 310200.

Allele frequency attached by ClinVar (database versions not stated): TOPMed below 0.00001; ExAC 0.00001; gnomAD 0.00001; gnomAD exomes 0.00002.
gnomAD v4.1: 10 of 1,209,347 alleles (0.00083%); highest among the groups gnomAD compares: East Asian, 0.003%; no homozygotes.

Submission:

Labcorp Genetics (formerly Invitae), Labcorp
Classification: Uncertain significance for Duchenne muscular dystrophy. Last evaluated: 2023-12-13. Review status: criteria provided, single submitter. Criteria: Invitae Variant Classification Sherloc (09022015). Collection method: clinical testing. Allele origin: germline.
Comment: This sequence change replaces alanine, which is neutral and non-polar, with threonine, which is neutral and polar, at codon 1403 of the DMD protein (p.Ala1403Thr). This variant is present in population databases (rs762615933, gnomAD 0.007%). This variant has not been reported in the literature in individuals affected with DMD-related conditions. ClinVar contains an entry for this variant (Variation ID: 1389553). Advanced modeling of protein sequence and biophysical properties (such as structural, functional, and spatial information, amino acid conservation, physicochemical variation, residue mobility, and thermodynamic stability) performed at Invitae indicates that this missense variant is not expected to disrupt DMD protein function with a negative predictive value of 95%. In summary, the available evidence is currently insufficient to determine the role of this variant in disease. Therefore, it has been classified as a Variant of Uncertain Significance.

NM_004006.3(DMD):c.4207G>A (p.Ala1403Thr)

Gene: DMD (dystrophin; minus strand). Cytogenetic location: Xp21.1.
Variant type: single nucleotide variant.
Coding change: c.4207G>A on transcript NM_004006.3 (MANE Select); coding-DNA position 4207, G replaced by A.
Protein change: p.Ala1403Thr; replaces alanine 1403 with threonine.
Molecular consequence: missense variant.
Genome position (GRCh38, 1-based): chrX:32,411,778, C>T on the plus strand (G>A on the coding strand, the complement: DMD is on the minus strand). VCF-style: chrX-32411778-C-T. GRCh37 (hg19) VCF-style: chrX-32429895-C-T.
Other names: c.4183G>A, p.Ala1395Thr (NM_000109.4); c.4195G>A, p.Ala1399Thr (NM_004009.3); c.3838G>A, p.Ala1280Thr (NM_004010.3); c.184G>A, p.Ala62Thr (NM_004011.4); c.175G>A, p.Ala59Thr (NM_004012.4); short protein forms A1280T, A1395T, A1399T, A1403T, A59T, A62T.
Identifiers: ClinVar variation 1389553 (VCV001389553.4), dbSNP rs762615933, ClinGen allele CA10379019.